The following is an entry in ClinVar:

ClinVar aggregate classification (germline): Pathogenic (1 of 4 stars; one submission).

Conditions:
Predisposition to invasive fungal disease due to CARD9 deficiency (IMD103). Also called: IMMUNODEFICIENCY 103, SUSCEPTIBILITY TO FUNGAL INFECTIONS; Candidiasis, familial, 2, autosomal recessive; CARD9 IMMUNODEFICIENCY. Identifiers: Orphanet 457088, MedGen C1859353, MONDO:0008905, OMIM 212050.

Allele frequency attached by ClinVar (database versions not stated): TOPMed below 0.00001; gnomAD 0.00001.

Submission:

Labcorp Genetics (formerly Invitae), Labcorp
Classification: Pathogenic for Predisposition to invasive fungal disease due to CARD9 deficiency. Last evaluated: 2024-06-08. Review status: criteria provided, single submitter. Criteria: Invitae Variant Classification Sherloc (09022015). Collection method: clinical testing. Allele origin: germline.
Comment: This sequence change creates a premature translational stop signal (p.Gln405*) in the CARD9 gene. It is expected to result in an absent or disrupted protein product. Loss-of-function variants in CARD9 are known to be pathogenic (PMID: 19864672, 24131138, 24231284). This variant is not present in population databases (gnomAD no frequency). This variant has not been reported in the literature in individuals affected with CARD9-related conditions. ClinVar contains an entry for this variant (Variation ID: 2103982). Algorithms developed to predict the effect of sequence changes on RNA splicing suggest that this variant may disrupt the consensus splice site. For these reasons, this variant has been classified as Pathogenic.

Literature cited by the submitters: PubMed 19864672; PubMed 24131138; PubMed 24231284.

NM_052813.5(CARD9):c.1213C>T (p.Gln405Ter)

Gene: CARD9 (caspase recruitment domain family member 9; minus strand). Cytogenetic location: 9q34.3.
Variant type: single nucleotide variant.
Coding change: c.1213C>T on transcript NM_052813.5 (MANE Select); coding-DNA position 1213, C replaced by T.
Protein change: p.Gln405Ter; replaces glutamine 405 with a stop codon.
Molecular consequence: nonsense.
Genome position (GRCh38, 1-based): chr9:136,367,693, G>A on the plus strand (C>T on the coding strand, the complement: CARD9 is on the minus strand). VCF-style: chr9-136367693-G-A. GRCh37 (hg19) VCF-style: chr9-139262145-G-A.
Other names: c.1213C>T, p.Gln405Ter (NM_052814.4); short protein forms Q405*.
Identifiers: ClinVar variation 2103982 (VCV002103982.4), dbSNP rs921094576, ClinGen allele CA201611434.